The following is an entry in ClinVar:

ClinVar aggregate classification (germline): Uncertain significance (1 of 4 stars; one submission).

Conditions:
Hereditary cancer-predisposing syndrome. Also called: Neoplastic Syndromes, Hereditary; Tumor predisposition; Hereditary neoplastic syndrome; Hereditary Cancer Syndrome. Identifiers: Orphanet 140162, MedGen C0027672, MeSH D009386, MONDO:0015356.

Submission:

Ambry Genetics
Classification: Uncertain significance for Hereditary cancer-predisposing syndrome. Last evaluated: 2026-07-06. Review status: criteria provided, single submitter. Criteria: Ambry Variant Classification Scheme 2023. Collection method: clinical testing. Allele origin: germline.
Comment: The p.C94G variant (also known as c.280T>G), located in coding exon 4 of the MAX gene, results from a T to G substitution at nucleotide position 280. The cysteine at codon 94 is replaced by glycine, an amino acid with highly dissimilar properties. This amino acid position is conserved. In addition, this alteration is predicted to be tolerated by in silico analysis. Based on the available evidence, the clinical significance of this variant remains unclear.

NM_002382.5(MAX):c.172-6155T>G

Gene: MAX (MYC associated transcriptional regulator X; minus strand). Cytogenetic location: 14q23.3.
Variant type: single nucleotide variant.
Coding change: c.172-6155T>G on transcript NM_002382.5 (MANE Select); 6155 bases into the intron before coding-DNA position 172, T replaced by G.
Molecular consequence: intron variant. On other transcripts: missense variant (3), 3 prime UTR variant (1), non-coding transcript variant (4).
Genome position (GRCh38, 1-based): chr14:65,084,191, A>C on the plus strand (T>G on the coding strand, the complement: MAX is on the minus strand). VCF-style: chr14-65084191-A-C. GRCh37 (hg19) VCF-style: chr14-65550909-A-C.
Other names: c.253T>G, p.Cys85Gly (NM_001271068.2, NM_001407113.1); c.*54T>G (NM_001407114.1); c.280T>G, p.Cys94Gly (NM_145114.3); c.144+9517T>G (NM_001271069.2); c.171+9517T>G (NM_197957.4); c.-196-6155T>G (NM_001407112.1, NM_001407111.1); c.-103-6155T>G (NM_001407106.1, NM_001407107.1, NM_001320415.2 and 1 more transcripts); c.145-6155T>G (NM_001407095.1, NM_001407110.1, NM_001407102.1 and 6 more transcripts); and 2 more; short protein forms C94G, C85G.
Identifiers: ClinVar variation 5023952 (VCV005023952.1).